The following is an entry in ClinVar:

ClinVar aggregate classification (germline): Uncertain significance. Review status: criteria provided, multiple submitters, no conflicts (2 of 4 stars). 2 submissions from 2 submitters: Uncertain significance (2). Last evaluated 2024-07-17.

Submissions (2):

Blueprint Genetics
Classification: Uncertain significance. Last evaluated: 2024-07-17. Review status: criteria provided, single submitter. Criteria: ACMG Guidelines, 2015. Collection method: clinical testing. Allele origin: germline.

Labcorp Genetics (formerly Invitae), Labcorp
Classification: Uncertain significance. Last evaluated: 2024-02-24. Review status: criteria provided, single submitter. Criteria: Invitae Variant Classification Sherloc (09022015). Collection method: clinical testing. Allele origin: germline.
Comment: This sequence change replaces proline, which is neutral and non-polar, with serine, which is neutral and polar, at codon 241 of the EFEMP1 protein (p.Pro241Ser). This variant is not present in population databases (gnomAD no frequency). This variant has not been reported in the literature in individuals affected with EFEMP1-related conditions. ClinVar contains an entry for this variant (Variation ID: 1346366). Advanced modeling of protein sequence and biophysical properties (such as structural, functional, and spatial information, amino acid conservation, physicochemical variation, residue mobility, and thermodynamic stability) performed at Invitae indicates that this missense variant is not expected to disrupt EFEMP1 protein function with a negative predictive value of 80%. In summary, the available evidence is currently insufficient to determine the role of this variant in disease. Therefore, it has been classified as a Variant of Uncertain Significance.

NM_001039348.3(EFEMP1):c.721C>T (p.Pro241Ser)

Gene: EFEMP1 (EGF-like fibulin extracellular matrix protein 1; minus strand). Cytogenetic location: 2p16.1.
Variant type: single nucleotide variant.
Coding change: c.721C>T on transcript NM_001039348.3 (MANE Select); coding-DNA position 721, C replaced by T.
Protein change: p.Pro241Ser; replaces proline 241 with serine.
Molecular consequence: missense variant.
Genome position (GRCh38, 1-based): chr2:55,877,785, G>A on the plus strand (C>T on the coding strand, the complement: EFEMP1 is on the minus strand). VCF-style: chr2-55877785-G-A. GRCh37 (hg19) VCF-style: chr2-56104920-G-A.
Other names: c.721C>T, p.Pro241Ser (NM_001039349.3); short protein forms P241S.
Identifiers: ClinVar variation 1346366 (VCV001346366.9), dbSNP rs756356313, ClinGen allele CA48123895.